The following is an entry in ClinVar:

ClinVar aggregate classification (germline): Conflicting classifications of pathogenicity. Review status: criteria provided, conflicting classifications (1 of 4 stars). 7 submissions from 7 submitters: Uncertain significance (6); Likely benign (1). Last evaluated 2025-08-27.

Conditions:
BRCA2-related cancer predisposition. Identifiers: MedGen CN377758, MONDO:0700269.
Hereditary cancer-predisposing syndrome. Also called: Neoplastic Syndromes, Hereditary; Tumor predisposition; Hereditary Cancer Syndrome; Hereditary neoplastic syndrome. Identifiers: Orphanet 140162, MedGen C0027672, MeSH D009386, MONDO:0015356.
Hereditary breast ovarian cancer syndrome. Also called: Breast and ovarian cancer; Hereditary breast and ovarian cancer; Hereditary breast and ovarian cancer syndrome; Hereditary breast and/or ovarian cancer syndrome; Hereditary breast and ovarian cancer syndrome (HBOC); BRCA1- and BRCA2-Associated Hereditary Breast and Ovarian Cancer. Identifiers: Orphanet 145, MedGen C0677776, MeSH D061325, MONDO:0003582. Disease mechanism: loss of function.

Allele frequency attached by ClinVar (database versions not stated): gnomAD exomes below 0.00001; gnomAD 0.00001; TOPMed 0.00001.
gnomAD v4.1: 4 of 1,613,872 alleles (0.00025%); highest among the groups gnomAD compares: Non-Finnish European, 0.00034%; no homozygotes.

Submissions (7):

Ambry Genetics
Classification: Uncertain significance for Hereditary cancer-predisposing syndrome. Last evaluated: 2025-08-27. Review status: criteria provided, single submitter. Criteria: Ambry Variant Classification Scheme 2023. Collection method: clinical testing. Allele origin: germline.
Comment: The p.T2388A variant (also known as c.7162A>G), located in coding exon 13 of the BRCA2 gene, results from an A to G substitution at nucleotide position 7162. The threonine at codon 2388 is replaced by alanine, an amino acid with similar properties. This amino acid position is not well conserved in available vertebrate species. In addition, this alteration is predicted to be tolerated by in silico analysis. Based on the available evidence, the clinical significance of this variant remains unclear.

Labcorp Genetics (formerly Invitae), Labcorp
Classification: Uncertain significance for Hereditary breast ovarian cancer syndrome. Last evaluated: 2025-06-09. Review status: criteria provided, single submitter. Criteria: Invitae Variant Classification Sherloc (09022015). Collection method: clinical testing. Allele origin: germline.
Comment: This sequence change replaces threonine, which is neutral and polar, with alanine, which is neutral and non-polar, at codon 2388 of the BRCA2 protein (p.Thr2388Ala). This variant is present in population databases (no rsID available, gnomAD 0.0009%). This variant has not been reported in the literature in individuals affected with BRCA2-related conditions. ClinVar contains an entry for this variant (Variation ID: 409432). Invitae Evidence Modeling of protein sequence and biophysical properties (such as structural, functional, and spatial information, amino acid conservation, physicochemical variation, residue mobility, and thermodynamic stability) indicates that this missense variant is not expected to disrupt BRCA2 protein function with a negative predictive value of 95%. In summary, the available evidence is currently insufficient to determine the role of this variant in disease. Therefore, it has been classified as a Variant of Uncertain Significance.

All of Us Research Program, National Institutes of Health
Classification: Uncertain significance for BRCA2-related cancer predisposition. Last evaluated: 2024-08-06. Review status: criteria provided, single submitter. Criteria: ACMG Guidelines, 2015. Collection method: clinical testing. Allele origin: germline. Inheritance: Autosomal dominant inheritance. Observed: 1 variant allele, 1 heterozygote.
Comment: This study involves interpretation of variants in research participants for the purpose of population health screening. Participant phenotype was not available at the time of variant classification. Additional details can be found in publication PMID: 35346344, PMCID: PMC8962531

Blueprint Genetics
Classification: Uncertain significance. Last evaluated: 2023-08-25. Review status: criteria provided, single submitter. Criteria: ACMG Guidelines, 2015. Collection method: clinical testing. Allele origin: germline.

Quest Diagnostics Nichols Institute San Juan Capistrano
Classification: Uncertain significance. Last evaluated: 2022-11-04. Review status: criteria provided, single submitter. Criteria: Quest Diagnostics criteria. Collection method: clinical testing. Allele origin: unknown.
Comment: The variant has not been reported in the published literature. The frequency of this variant in the general population, 0.000004 (1/251246 chromosomes), is uninformative in assessment of its pathogenicity. Analysis of this variant using bioinformatics tools for the prediction of the effect of amino acid changes on protein structure and function yielded predictions that this variant is benign. Based on the available information, we are unable to determine the clinical significance of this variant.

Color Diagnostics, LLC DBA Color Health
Classification: Uncertain significance for Hereditary cancer-predisposing syndrome. Last evaluated: 2019-01-05. Review status: criteria provided, single submitter. Criteria: ACMG Guidelines, 2015. Collection method: clinical testing. Allele origin: germline.

GeneDx
Classification: Likely benign. Last evaluated: 2017-04-19. Review status: criteria provided, single submitter. Criteria: GeneDx Variant Classification (06012015). Collection method: clinical testing. Allele origin: germline. Affected: yes.
Comment: This variant is considered likely benign or benign based on one or more of the following criteria: it is a conservative change, it occurs at a poorly conserved position in the protein, it is predicted to be benign by multiple in silico algorithms, and/or has population frequency not consistent with disease.

NM_000059.4(BRCA2):c.7162A>G (p.Thr2388Ala)

Gene: BRCA2 (BRCA2 DNA repair associated; plus strand). Cytogenetic location: 13q13.1.
Variant type: single nucleotide variant.
Coding change: c.7162A>G on transcript NM_000059.4 (MANE Select); coding-DNA position 7162, A replaced by G.
Protein change: p.Thr2388Ala; replaces threonine 2388 with alanine.
Molecular consequence: missense variant.
Genome position (GRCh38, 1-based): chr13:32,355,015, A>G. VCF-style: chr13-32355015-A-G. GRCh37 (hg19) VCF-style: chr13-32929152-A-G.
Other names: short protein forms T2388A.
Identifiers: ClinVar variation 409432 (VCV000409432.23), dbSNP rs1060502390, ClinGen allele CA16613931.
Genomic context (GRCh38, chr13:32,355,015, plus strand): 5'-TTGGAAAAATCTTCAAGCAATTTAGCAGTTTCAGGACATCCATTTTATCAAGTTTCTGCT[A>G]CAAGAAATGAAAAAATGAGACACTTGATTACTACAGGCAGACCAACCAAAGTCTTTGTTC-3'
Protein context (NP_000050.3, residues 2378-2398): SGHPFYQVSA[Thr2388Ala]RNEKMRHLIT